The following is an entry in ClinVar:

ClinVar aggregate classification (germline): Likely pathogenic (1 of 4 stars; one submission).

Conditions:
CFTR-related disorder (CFTR-RD). Also called: CFTR-related disorders; CFTR-related condition. Identifiers: MedGen C5924204, MONDO:7770004.

Submission:

Natera, Inc.
Classification: Likely pathogenic for CFTR-related disorders. Last evaluated: 2024-05-16. Review status: criteria provided, single submitter. Criteria: Natera Variant Classification Schema (03/2026). Collection method: clinical testing. Allele origin: germline.
Comment: The c.3441_3442insG variant in CFTR is a frameshift variant predicted to shift the reading frame beginning at codon 1148 and leads to a stop codon 8 codons downstream. This variant is expected to result in nonsense mediated decay, truncation, or a dysfunctional protein product. This variant is rare in the general population with a frequency below the threshold expected for the associated phenotype(s). Given the available evidence, this variant is classified as Likely Pathogenic.

NM_000492.4(CFTR):c.3441_3442insG (p.Asn1148fs)

Genes: CFTR-AS2 (CFTR antisense RNA 2; minus strand), CFTR (CF transmembrane conductance regulator; plus strand). Cytogenetic location: 7q31.2.
Variant type: Insertion.
Coding change: c.3441_3442insG on transcript NM_000492.4 (MANE Select); coding-DNA positions 3441 to 3442, G inserted.
Protein change: p.Asn1148fs; shifts the reading frame from asparagine 1148.
Molecular consequence: frameshift variant.
Genome position: GRCh38 VCF-style: chr7-117614686-A-AG. GRCh37 (hg19) VCF-style: chr7-117254740-A-AG.
Other names: short protein forms N1148fs.
Identifiers: ClinVar variation 4818536 (VCV004818536.1).